The following is an entry in ClinVar:

ClinVar aggregate classification (germline): Uncertain significance (1 of 4 stars; one submission).

Submission:

Labcorp Genetics (formerly Invitae), Labcorp
Classification: Uncertain significance. Last evaluated: 2024-01-29. Review status: criteria provided, single submitter. Criteria: Invitae Variant Classification Sherloc (09022015). Collection method: clinical testing. Allele origin: germline.
Comment: This sequence change creates a premature translational stop signal (p.Ala320Valfs*72) in the NAXD gene. While this is not anticipated to result in nonsense mediated decay, it is expected to disrupt the last 71 amino acid(s) of the NAXD protein. This variant is present in population databases (rs753690226, gnomAD 0.01%). This variant has not been reported in the literature in individuals affected with NAXD-related conditions. ClinVar contains an entry for this variant (Variation ID: 1502375). Experimental studies and prediction algorithms are not available or were not evaluated, and the functional significance of this variant is currently unknown. This variant disrupts a region of the NAXD protein in which other variant(s) (p.Ser371Leu) have been observed in individuals with NAXD-related conditions (PMID: 30576410). This suggests that this is a clinically significant region of the protein, and that variants that disrupt it are likely to be disease-causing. In summary, the available evidence is currently insufficient to determine the role of this variant in disease. Therefore, it has been classified as a Variant of Uncertain Significance.

Literature cited by the submitters: PubMed 30576410.

NM_001242882.2(NAXD):c.840-71_840-65del

Gene: NAXD (NAD(P)HX dehydratase; plus strand). Cytogenetic location: 13q34.
Variant type: Deletion.
Coding change: c.840-71_840-65del on transcript NM_001242882.2 (MANE Select); 71 bases into the intron before coding-DNA position 840 through 65 bases into the intron before coding-DNA position 840, 7 bases deleted (CCCAGGG; older notation c.840-71_840-65delCCCAGGG).
Molecular consequence: intron variant. On other transcripts: frameshift variant (1).
Genome position (GRCh38, 1-based): chr13:110,638,307-110,638,313, CCCAGGG deleted; deleting any 7 consecutive bases within chr13:110,638,306-110,638,313 gives the same sequence; the c. name uses the placement nearest the transcript's 3' end. VCF-style (leftmost placement, unchanged base first): chr13-110638305-AGCCCAGG-A. GRCh37 (hg19) VCF-style: chr13-111290652-AGCCCAGG-A.
Other names: c.959_965del, p.Ala320fs (NM_018210.4); c.564-71_564-65del (NM_001242883.2); c.894-71_894-65del (NM_001242881.2); short protein forms A320fs.
Identifiers: ClinVar variation 1502375 (VCV001502375.4), dbSNP rs753690226, ClinGen allele CA7051415.